The following is an entry in ClinVar:

NM_005157.6(ABL1):c.1510G>A (p.Asp504Asn)

Gene: ABL1 (ABL proto-oncogene 1, non-receptor tyrosine kinase; plus strand). Cytogenetic location: 9q34.12.
Variant type: single nucleotide variant.
Coding change: c.1510G>A on transcript NM_005157.6 (MANE Select); coding-DNA position 1510, G replaced by A.
Protein change: p.Asp504Asn; replaces aspartic acid 504 with asparagine.
Molecular consequence: missense variant.
Genome position (GRCh38, 1-based): chr9:130,880,154, G>A. VCF-style: chr9-130880154-G-A. GRCh37 (hg19) VCF-style: chr9-133755541-G-A.
Other names: c.1567G>A, p.Asp523Asn (NM_007313.3); short protein forms D504N, D523N.
Identifiers: ClinVar variation 4756050 (VCV004756050.2).
Genomic context (GRCh38, chr9:130,880,154, plus strand): 5'-CCCTCCTTTGCTGAAATCCACCAAGCCTTTGAAACAATGTTCCAGGAATCCAGTATCTCA[G>A]ACGGTAAAGTACCCATCCCGGGGTACCTGCAGTGGGGTGAAAGGGCAGCCATGTGGGACT-3'
Protein context (NP_005148.2, residues 494-514): ETMFQESSIS[Asp504Asn]EVEKELGKQG

ClinVar aggregate classification (germline): Uncertain significance (1 of 4 stars; one submission).

Submission:

GeneDx
Classification: Uncertain significance. Last evaluated: 2026-09-08. Review status: criteria provided, single submitter. Criteria: GeneDx Variant Classification Process June 2021. Collection method: clinical testing. Allele origin: germline.
Comment: Not observed at significant frequency in large population cohorts (gnomAD); In silico analysis supports that this missense variant has a deleterious effect on protein structure/function; Has not been previously published as pathogenic or benign to our knowledge